The following is an entry in ClinVar:

ClinVar aggregate classification (germline): Uncertain significance (1 of 4 stars; one submission).

Submission:

Labcorp Genetics (formerly Invitae), Labcorp
Classification: Uncertain significance. Last evaluated: 2024-12-17. Review status: criteria provided, single submitter. Criteria: Invitae Variant Classification Sherloc (09022015). Collection method: clinical testing. Allele origin: germline.
Comment: This sequence change falls in intron 14 of the CHM gene. It does not directly change the encoded amino acid sequence of the CHM protein. It affects a nucleotide within the consensus splice site. This variant is not present in population databases (gnomAD no frequency). This variant has not been reported in the literature in individuals affected with CHM-related conditions. Variants that disrupt the consensus splice site are a relatively common cause of aberrant splicing (PMID: 17576681, 9536098). Algorithms developed to predict the effect of sequence changes on RNA splicing suggest that this variant is not likely to affect RNA splicing. In summary, the available evidence is currently insufficient to determine the role of this variant in disease. Therefore, it has been classified as a Variant of Uncertain Significance.

Literature cited by the submitters: PubMed 17576681; PubMed 9536098.

NM_000390.4(CHM):c.1770+4dup

Gene: CHM (CHM Rab escort protein; minus strand). Cytogenetic location: Xq21.2.
Variant type: Duplication.
Coding change: c.1770+4dup on transcript NM_000390.4 (MANE Select); 4 bases into the intron after coding-DNA position 1770, one base duplicated (A; older notation c.1770+4dupA).
Molecular consequence: intron variant.
Genome position (GRCh38, 1-based): chrX:85,873,048, T duplicated on the plus strand (A on the coding strand, the reverse complement: CHM is on the minus strand); the first of 2 consecutive T bases (chrX:85,873,048-85,873,049); duplicating either gives the same sequence. VCF-style (leftmost placement, unchanged base first): chrX-85873047-C-CT. GRCh37 (hg19) VCF-style: chrX-85128052-C-CT.
Other names: c.1326+4dup (NM_001362519.1, NM_001362517.1, NM_001320959.1 and 1 more transcripts).
Identifiers: ClinVar variation 3632416 (VCV003632416.2).